The following is an entry in ClinVar:

NM_001354604.2(MITF):c.710A>G (p.Tyr237Cys)

Gene: MITF (melanocyte inducing transcription factor; plus strand). Cytogenetic location: 3p13.
Variant type: single nucleotide variant.
Coding change: c.710A>G on transcript NM_001354604.2 (MANE Select); coding-DNA position 710, A replaced by G.
Protein change: p.Tyr237Cys; replaces tyrosine 237 with cysteine.
Molecular consequence: missense variant.
Genome position (GRCh38, 1-based): chr3:69,941,279, A>G. VCF-style: chr3-69941279-A-G. GRCh37 (hg19) VCF-style: chr3-69990430-A-G.
Other names: c.389A>G, p.Tyr130Cys (NM_000248.4, NM_198158.3); c.554A>G, p.Tyr185Cys (NM_001184967.2, NM_001354608.2); c.707A>G, p.Tyr236Cys (NM_001354605.2, NM_001354606.2, NM_006722.3); c.659A>G, p.Tyr220Cys (NM_001354607.2); c.710A>G, p.Tyr237Cys (NM_198159.3); c.662A>G, p.Tyr221Cys (NM_198177.3); c.221A>G, p.Tyr74Cys (NM_198178.3); short protein forms Y220C, Y236C, Y130C, Y221C, Y237C, Y74C, Y185C.
Identifiers: ClinVar variation 3873224 (VCV003873224.1).

ClinVar aggregate classification (germline): Uncertain significance (1 of 4 stars; one submission).

Conditions:
Hereditary cancer-predisposing syndrome. Also called: Tumor predisposition; Neoplastic Syndromes, Hereditary; Hereditary Cancer Syndrome; Hereditary neoplastic syndrome. Identifiers: Orphanet 140162, MedGen C0027672, MeSH D009386, MONDO:0015356.

Submission:

Ambry Genetics
Classification: Uncertain significance for Hereditary cancer-predisposing syndrome. Last evaluated: 2025-01-13. Review status: criteria provided, single submitter. Criteria: Ambry Variant Classification Scheme 2023. Collection method: clinical testing. Allele origin: germline.
Comment: The p.Y130C variant (also known as c.389A>G), located in coding exon 4 of the MITF gene, results from an A to G substitution at nucleotide position 389. The tyrosine at codon 130 is replaced by cysteine, an amino acid with highly dissimilar properties. This amino acid position is conserved. In addition, the in silico prediction for this alteration is inconclusive. Based on the available evidence, the clinical significance of this variant remains unclear.